The following is an entry in ClinVar:

NM_001320752.2(STS):c.1060G>A (p.Gly354Arg)

Gene: STS (steroid sulfatase; plus strand). Cytogenetic location: Xp22.31.
Variant type: single nucleotide variant.
Coding change: c.1060G>A on transcript NM_001320752.2 (MANE Select); coding-DNA position 1060, G replaced by A.
Protein change: p.Gly354Arg; replaces glycine 354 with arginine.
Molecular consequence: missense variant.
Genome position (GRCh38, 1-based): chrX:7,305,162, G>A. VCF-style: chrX-7305162-G-A. GRCh37 (hg19) VCF-style: chrX-7223203-G-A.
Other names: c.1060G>A, p.Gly354Arg (NM_000351.7, NM_001320753.2, NM_001320754.2); c.1096G>A, p.Gly366Arg (NM_001320750.3, NM_001320751.2); short protein forms G366R, G354R.
Identifiers: ClinVar variation 2737074 (VCV002737074.4), dbSNP rs2518683298, ClinGen allele CA412021924.

ClinVar aggregate classification (germline): Likely pathogenic. Review status: criteria provided, multiple submitters, no conflicts (2 of 4 stars). 2 submissions from 2 submitters: Likely pathogenic (2). Last evaluated 2023-04-23.

Conditions:
X-linked ichthyosis with steryl-sulfatase deficiency (XLI). Also called: Recessive X-linked ichthyosis; Ichthyosis, X-Linked; PLACENTAL STEROID SULFATASE DEFICIENCY; STEROID SULFATASE DEFICIENCY; STEROID SULFATASE DEFICIENCY DISEASE; STS DEFICIENCY. Identifiers: Orphanet 461, MedGen C0079588, MONDO:0010622, OMIM 308100.

Allele frequency attached by ClinVar (database versions not stated): gnomAD exomes below 0.00001.

Submissions (2):

Labcorp Genetics (formerly Invitae), Labcorp
Classification: Likely pathogenic. Last evaluated: 2023-04-23. Review status: criteria provided, single submitter. Criteria: Invitae Variant Classification Sherloc (09022015). Collection method: clinical testing. Allele origin: germline.
Comment: This missense change has been observed in individuals with clinical features of X-­linked ichthyosis (PMID: 26387488, 26762237, 29672931; Invitae). This variant is not present in population databases (gnomAD no frequency). This sequence change replaces glycine, which is neutral and non-polar, with arginine, which is basic and polar, at codon 359 of the STS protein (p.Gly359Arg). An algorithm developed to predict the effect of missense changes on protein structure and function (PolyPhen-2) suggests that this variant is likely to be disruptive. In summary, the currently available evidence indicates that the variant is pathogenic, but additional data are needed to prove that conclusively. Therefore, this variant has been classified as Likely Pathogenic.

Juno Genomics, Hangzhou Juno Genomics, Inc
Classification: Likely pathogenic for X-linked ichthyosis with steryl-sulfatase deficiency. Review status: criteria provided, single submitter. Criteria: ACMG Guidelines, 2015. Collection method: clinical testing. Allele origin: germline. Affected: yes.
Comment: Absent from controls (or at extremely low frequency if recessive) in Genome Aggregation Database, Exome Sequencing Project, 1000 Genomes Project, or Exome Aggregation Consortium.;Multiple lines of computational evidence support a deleterious effect on the gene or gene product (conservation, evolutionary, splicing impact, etc).;The prevalence of the variant in affected individuals is significantly increased compared to the prevalence in controls.;Patient's phenotype or family history is highly specific for a disease with a single genetic etiology.;Co-segregation with disease in multiple affected family members in a gene definitively known to cause the disease.;Located in a mutational hot spot and/or critical and well-established functional domain (e.g. active site of an enzyme) without benign variation.

Literature cited by the submitters: PubMed 26387488 (cited by Labcorp Genetics (formerly Invitae), Labcorp); PubMed 26762237 (cited by Labcorp Genetics (formerly Invitae), Labcorp); PubMed 29672931 (cited by Labcorp Genetics (formerly Invitae), Labcorp).